The following is an entry in ClinVar:

NM_018136.5(ASPM):c.9890C>A (p.Ser3297Tyr)

Gene: ASPM (assembly factor for spindle microtubules; minus strand). Cytogenetic location: 1q31.3.
Variant type: single nucleotide variant.
Coding change: c.9890C>A on transcript NM_018136.5 (MANE Select); coding-DNA position 9890, C replaced by A.
Protein change: p.Ser3297Tyr; replaces serine 3297 with tyrosine.
Molecular consequence: missense variant.
Genome position (GRCh38, 1-based): chr1:197,090,024, G>T on the plus strand (C>A on the coding strand, the complement: ASPM is on the minus strand). VCF-style: chr1-197090024-G-T. GRCh37 (hg19) VCF-style: chr1-197059154-G-T.
Other names: c.5135C>A, p.Ser1712Tyr (NM_001206846.2); short protein forms S3297Y, S1712Y.
Identifiers: ClinVar variation 284745 (VCV000284745.19), dbSNP rs201033114, ClinGen allele CA1308829.
Genomic context (GRCh38, chr1:197,090,024, plus strand): 5'-CTGATGACTTCCATACAAGGAATACTGCGATTACAACTTCGGATCAAAACAAATATTTTA[G>T]AAATTGCTCCACTCTGGGCCATGTTCTCACAACAAAGTGGAGACAATCTAGTAACTACCT-3'
Protein context (NP_060606.3, residues 3287-3307): CENMAQSGAI[Ser3297Tyr]KIFVLIRSCN

ClinVar aggregate classification (germline): Conflicting classifications of pathogenicity. Review status: criteria provided, conflicting classifications (1 of 4 stars). 5 submissions from 5 submitters: Uncertain significance (2); Benign (1); Likely benign (1). 1 of the submissions does not count toward it. Last evaluated 2026-01-26.

Conditions:
ASPM-related disorder. Also called: ASPM-related condition.
Microcephaly 5, primary, autosomal recessive (MCPH5). Also called: ASPM Primary Microcephaly. Identifiers: Orphanet 2512, MedGen C1837501, MONDO:0012106, OMIM 608716.

Allele frequency attached by ClinVar (database versions not stated): 1000 Genomes Project 30x 0.00016; 1000 Genomes Project 0.00020; ESP Exome Variant Server 0.00023; TOPMed 0.00026; gnomAD 0.00032 and 0.00033; ExAC 0.00033; gnomAD exomes 0.00048.
gnomAD v4.1: 380 of 1,613,054 alleles (0.024%); highest among the groups gnomAD compares: Middle Eastern, 0.033%; 1 homozygote.

Submissions (5):

Labcorp Genetics (formerly Invitae), Labcorp
Classification: Benign. Last evaluated: 2026-01-26. Review status: criteria provided, single submitter. Criteria: Invitae Variant Classification Sherloc (09022015). Collection method: clinical testing. Allele origin: germline.

Blueprint Genetics
Classification: Likely benign. Last evaluated: 2024-11-21. Review status: criteria provided, single submitter. Criteria: ACMG Guidelines, 2015. Collection method: clinical testing. Allele origin: germline.

Illumina Laboratory Services, Illumina
Classification: Uncertain significance for Microcephaly 5, primary, autosomal recessive. Last evaluated: 2018-01-13. Review status: criteria provided, single submitter. Criteria: ICSL Variant Classification Criteria 13 December 2019. Collection method: clinical testing. Allele origin: germline.

Eurofins Ntd Llc (ga)
Classification: Uncertain significance. Last evaluated: 2015-11-24. Review status: criteria provided, single submitter. Criteria: EGL Classification Definitions 2015. Collection method: clinical testing. Allele origin: germline. Observed: 1 variant allele, 1 heterozygote.

PreventionGenetics, part of Exact Sciences
Classification: Benign for ASPM-related condition. Last evaluated: 2020-04-02. Review status: no assertion criteria provided. Collection method: clinical testing. Allele origin: germline. Not counted in ClinVar's aggregate classification.
Comment: This variant is classified as benign based on ACMG/AMP sequence variant interpretation guidelines (Richards et al. 2015 PMID: 25741868, with internal and published modifications).